The following is an entry in ClinVar:

NM_000228.3(LAMB3):c.29-2A>G

Gene: LAMB3 (laminin subunit beta 3; minus strand). Cytogenetic location: 1q32.2.
Variant type: single nucleotide variant.
Coding change: c.29-2A>G on transcript NM_000228.3 (MANE Select); the canonical splice acceptor site of the intron before coding-DNA position 29, A replaced by G.
Molecular consequence: splice acceptor variant.
Genome position (GRCh38, 1-based): chr1:209,650,120, T>C on the plus strand (A>G on the coding strand, the complement: LAMB3 is on the minus strand). VCF-style: chr1-209650120-T-C. GRCh37 (hg19) VCF-style: chr1-209823465-T-C.
Other names: c.29-2A>G (NM_001127641.1, NM_001017402.2).
Identifiers: ClinVar variation 188740 (VCV000188740.13), dbSNP rs371267954, ClinGen allele CA273899.

ClinVar aggregate classification (germline): Likely pathogenic. Review status: criteria provided, single submitter (1 of 4 stars). 2 submissions from 2 submitters: Likely pathogenic (1). 1 of the submissions does not count toward it. Last evaluated 2023-09-03.

Conditions:
Junctional epidermolysis bullosa gravis of Herlitz. Also called: JEB-HERLITZ TYPE; Epidermolysis Bullosa Letalis; EPIDERMOLYSIS BULLOSA, JUNCTIONAL 1B, SEVERE; EPIDERMOLYSIS BULLOSA JUNCTIONALIS, HERLITZ TYPE; EPIDERMOLYSIS BULLOSA, JUNCTIONAL, HERLITZ-PEARSON TYPE; Herlitz-type junctional epidermolysis bullosa. Identifiers: Orphanet 79404, MedGen C0079683, MONDO:0009182, OMIM 226700.

Allele frequency attached by ClinVar (database versions not stated): gnomAD exomes below 0.00001; TOPMed below 0.00001; ESP Exome Variant Server 0.00008.
gnomAD v4.1: 2 of 1,612,194 alleles (0.00012%); highest among the groups gnomAD compares: African/African-American, 0.0027%; no homozygotes.

Submissions (2):

Labcorp Genetics (formerly Invitae), Labcorp
Classification: Likely pathogenic. Last evaluated: 2023-09-03. Review status: criteria provided, single submitter. Criteria: Invitae Variant Classification Sherloc (09022015). Collection method: clinical testing. Allele origin: germline.
Comment: Algorithms developed to predict the effect of sequence changes on RNA splicing suggest that this variant may disrupt the consensus splice site. ClinVar contains an entry for this variant (Variation ID: 188740). In summary, the currently available evidence indicates that the variant is pathogenic, but additional data are needed to prove that conclusively. Therefore, this variant has been classified as Likely Pathogenic. Disruption of this splice site has been observed in individual(s) with junctional epidermolysis bullosa (PMID: 21801158). This sequence change affects an acceptor splice site in intron 2 of the LAMB3 gene. It is expected to disrupt RNA splicing. Variants that disrupt the donor or acceptor splice site typically lead to a loss of protein function (PMID: 16199547), and loss-of-function variants in LAMB3 are known to be pathogenic (PMID: 11023379, 16473856). This variant is not present in population databases (gnomAD no frequency).

Counsyl
Classification: Likely pathogenic for Junctional epidermolysis bullosa gravis of Herlitz. Last evaluated: 2014-04-01. Review status: no assertion criteria provided. Collection method: literature only. Allele origin: unknown. Inheritance: Autosomal recessive inheritance. Not counted in ClinVar's aggregate classification.

Literature cited by the submitters: PubMed 21801158 (cited by Labcorp Genetics (formerly Invitae), Labcorp and Counsyl); PubMed 16199547 (cited by Labcorp Genetics (formerly Invitae), Labcorp); PubMed 11023379 (cited by Labcorp Genetics (formerly Invitae), Labcorp); PubMed 16473856 (cited by Labcorp Genetics (formerly Invitae), Labcorp).